The following is an entry in ClinVar:

ClinVar aggregate classification (germline): Benign/Likely benign. Review status: criteria provided, multiple submitters, no conflicts (2 of 4 stars). 2 submissions from 2 submitters: Benign (1); Likely benign (1). Last evaluated 2026-04-01.

Conditions:
Spinocerebellar ataxia, autosomal recessive, with axonal neuropathy 2 (SCAN2). Also called: ATAXIA-OCULOMOTOR APRAXIA 2; Ataxia with Oculomotor Apraxia Type 2; Ataxia with Oculomotor Apraxia; Ataxia-ocular apraxia-2. Identifiers: Orphanet 64753, MedGen C1853761, MONDO:0018996, OMIM 606002.
Amyotrophic lateral sclerosis type 4 (ALS4). Also called: AMYOTROPHIC LATERAL SCLEROSIS 4, JUVENILE; NEURONOPATHY, DISTAL HEREDITARY MOTOR, WITH PYRAMIDAL FEATURES. Identifiers: Orphanet 357043, MedGen C1865409, MONDO:0011223, OMIM 602433.

gnomAD v4.1: 8 of 1,613,928 alleles (0.0005%); highest among the groups gnomAD compares: East Asian, 0.016%; no homozygotes.

Submissions (2):

CeGaT Center for Human Genetics Tuebingen
Classification: Likely benign. Last evaluated: 2026-04-01. Review status: criteria provided, single submitter. Criteria: CeGaT Center For Human Genetics Tuebingen Variant Classification Criteria Version 2. Collection method: clinical testing. Allele origin: germline. Affected: yes. Observed: 2 variant alleles.
Comment: SETX: BP4, BP7

Labcorp Genetics (formerly Invitae), Labcorp
Classification: Benign for Amyotrophic lateral sclerosis type 4; Spinocerebellar ataxia, autosomal recessive, with axonal neuropathy 2. Last evaluated: 2024-06-13. Review status: criteria provided, single submitter. Criteria: Invitae Variant Classification Sherloc (09022015). Collection method: clinical testing. Allele origin: germline.

NM_015046.7(SETX):c.1803A>G (p.Pro601=)

Gene: SETX (senataxin; minus strand). Cytogenetic location: 9q34.13.
Variant type: single nucleotide variant.
Coding change: c.1803A>G on transcript NM_015046.7 (MANE Select); coding-DNA position 1803, A replaced by G.
Protein change: p.Pro601=; no amino-acid change (proline 601 retained).
Molecular consequence: synonymous variant.
Genome position (GRCh38, 1-based): chr9:132,329,795, T>C on the plus strand (A>G on the coding strand, the complement: SETX is on the minus strand). VCF-style: chr9-132329795-T-C. GRCh37 (hg19) VCF-style: chr9-135205182-T-C.
Other names: c.1803A>G, p.Pro601= (NM_001351527.2, NM_001351528.2).
Identifiers: ClinVar variation 3755479 (VCV003755479.7).